The following is an entry in ClinVar:

NM_133171.5(ELMO2):c.1433G>A (p.Arg478Gln)

Gene: ELMO2 (engulfment and cell motility 2; minus strand). Cytogenetic location: 20q13.12.
Variant type: single nucleotide variant.
Coding change: c.1433G>A on transcript NM_133171.5 (MANE Select); coding-DNA position 1433, G replaced by A.
Protein change: p.Arg478Gln; replaces arginine 478 with glutamine.
Molecular consequence: missense variant.
Genome position (GRCh38, 1-based): chr20:46,371,953, C>T on the plus strand (G>A on the coding strand, the complement: ELMO2 is on the minus strand). VCF-style: chr20-46371953-C-T. GRCh37 (hg19) VCF-style: chr20-45000592-C-T.
Other names: c.1169G>A, p.Arg390Gln (NM_001318253.2); c.1433G>A, p.Arg478Gln (NM_182764.3); short protein forms R390Q, R478Q.
Identifiers: ClinVar variation 2212578 (VCV002212578.3), dbSNP rs575255605, ClinGen allele CA9890063.

ClinVar aggregate classification (germline): Uncertain significance. Review status: criteria provided, multiple submitters, no conflicts (2 of 4 stars). 2 submissions from 2 submitters: Uncertain significance (2). Last evaluated 2026-03-11.

Conditions:
Primary intraosseous venous malformation. Also called: Vascular malformation, primary intraosseous; HEMANGIOMA, INTRAOSSEOUS; VASCULAR MALFORMATION OSSEOUS. Identifiers: Orphanet 140436, MedGen C1847197, MONDO:0011744, OMIM 606893.
Inborn genetic diseases. Identifiers: MedGen C0950123, MeSH D030342.

Allele frequency attached by ClinVar (database versions not stated): gnomAD 0.00001; gnomAD exomes 0.00001; ExAC 0.00002; TOPMed 0.00004; 1000 Genomes Project 30x 0.00016; 1000 Genomes Project 0.00020.
gnomAD v4.1: 9 of 1,613,922 alleles (0.00056%); highest among the groups gnomAD compares: South Asian, 0.0033%; no homozygotes.

Submissions (2):

Clinical Genomics Laboratory, Washington University in St. Louis
Classification: Uncertain significance for Primary intraosseous venous malformation. Last evaluated: 2026-03-11. Review status: criteria provided, single submitter. Criteria: ACMG Guidelines, 2015. Collection method: clinical testing. Allele origin: germline.
Comment: An ELMO2 c.1433G>A (p.Arg478Gln) variant was identified at an allelic fraction consistent with somatic origin. The ELMO2 c.1433G>A (p.Arg478Gln) variant, to our knowledge, has not been reported in the medical literature but has been reported in the ClinVar database as a germline variant of uncertain significance by one submitter (ClinVar Variation ID: 2212578). This variant is observed on 9/1,613,922 alleles in the general population (gnomAD v4.1.0). Computational predictors suggest that the variant does not impact ELMO2 function. Due to limited information, and based on internally developed protocol informed by the ACMG/AMP guidelines for variant interpretation and gene-specific practices from the ClinGen Criteria Specification Registry (Leon-Quintero FZ et al., PMID: 39434542), the clinical significance of the ELMO2 c.1433G>A (p.Arg478Gln) is uncertain at this time.

Ambry Genetics
Classification: Uncertain significance for Inborn genetic diseases. Last evaluated: 2022-06-01. Review status: criteria provided, single submitter. Criteria: Ambry Variant Classification Scheme 2023. Collection method: clinical testing. Allele origin: germline.